The following is an entry in ClinVar:

ClinVar aggregate classification (germline): Uncertain significance (1 of 4 stars; one submission).

Conditions:
ENHANCED S-CONE SYNDROME 1 (ESCS1). Also called: RETINOSCHISIS WITH EARLY HEMERALOPIA; FAVRE HYALOIDEORETINAL DEGENERATION. Identifiers: MedGen CN380299, OMIM 268100.

Submission:

Myriad Genetics, Inc.
Classification: Uncertain significance for ENHANCED S-CONE SYNDROME 1. Last evaluated: 2026-05-08. Review status: criteria provided, single submitter. Criteria: Myriad Autosomal Dominant, Autosomal Recessive and X-Linked Classification Criteria (2023). Collection method: clinical testing. Allele origin: unknown.
Comment: NM_014249.2(NR2E3):c.190T>A(C64S) is a missense variant classified as a variant of uncertain significance in the context of enhanced S-cone syndrome. C64S has not been observed in cases with relevant disease. Relevant functional assessments of this variant are not available in the literature. C64S has not been observed in referenced population frequency databases. In summary, there is insufficient evidence to classify NM_014249.2(NR2E3):c.190T>A(C64S) as pathogenic or benign. Please note: this variant was assessed in the context of healthy population screening.

NM_014249.4(NR2E3):c.190T>A (p.Cys64Ser)

Gene: NR2E3 (nuclear receptor subfamily 2 group E member 3; plus strand). Cytogenetic location: 15q23.
Variant type: single nucleotide variant.
Coding change: c.190T>A on transcript NM_014249.4 (MANE Select); coding-DNA position 190, T replaced by A.
Protein change: p.Cys64Ser; replaces cysteine 64 with serine.
Molecular consequence: missense variant.
Genome position (GRCh38, 1-based): chr15:71,811,554, T>A. VCF-style: chr15-71811554-T-A. GRCh37 (hg19) VCF-style: chr15-72103894-T-A.
Other names: c.190T>A, p.Cys64Ser (NM_016346.4); short protein forms C64S.
Identifiers: ClinVar variation 5003403 (VCV005003403.1).
Genomic context (GRCh38, chr15:71,811,554, plus strand): 5'-TCGCTCCAGTGCCGCGTGTGCGGAGACAGCAGCAGCGGGAAGCACTATGGCATCTATGCC[T>A]GCAACGGCTGCAGCGGCTTCTTCAAGAGGAGCGTACGGCGGAGGCTCATCTACAGGTGAG-3'
Protein context (NP_055064.1, residues 54-74): SSGKHYGIYA[Cys64Ser]NGCSGFFKRS